The following is an entry in ClinVar:

ClinVar aggregate classification (germline): Uncertain significance. Review status: criteria provided, multiple submitters, no conflicts (2 of 4 stars). 2 submissions from 2 submitters: Uncertain significance (2). Last evaluated 2021-06-21.

Conditions:
Hereditary cancer-predisposing syndrome. Also called: Neoplastic Syndromes, Hereditary; Tumor predisposition; Hereditary neoplastic syndrome; Hereditary Cancer Syndrome. Identifiers: Orphanet 140162, MedGen C0027672, MeSH D009386, MONDO:0015356.
Familial adenomatous polyposis 1 (FAP1). Also called: POLYPOSIS, ADENOMATOUS INTESTINAL; FAMILIAL ADENOMATOUS POLYPOSIS 1, ATTENUATED. Identifiers: MedGen C2713442, MONDO:0021056, OMIM 175100. Disease mechanism: loss of function.

Submissions (2):

Labcorp Genetics (formerly Invitae), Labcorp
Classification: Uncertain significance for Familial adenomatous polyposis 1. Last evaluated: 2021-06-21. Review status: criteria provided, single submitter. Criteria: Invitae Variant Classification Sherloc (09022015). Collection method: clinical testing. Allele origin: germline.
Comment: In summary, the available evidence is currently insufficient to determine the role of this variant in disease. Therefore, it has been classified as a Variant of Uncertain Significance. Algorithms developed to predict the effect of missense changes on protein structure and function (SIFT, PolyPhen-2, Align-GVGD) all suggest that this variant is likely to be tolerated, but these predictions have not been confirmed by published functional studies and their clinical significance is uncertain. This variant has not been reported in the literature in individuals with APC-related conditions. ClinVar contains an entry for this variant (Variation ID: 824883). This variant is not present in population databases (ExAC no frequency). This sequence change replaces valine with leucine at codon 1476 of the APC protein (p.Val1476Leu). The valine residue is highly conserved and there is a small physicochemical difference between valine and leucine.

Ambry Genetics
Classification: Uncertain significance for Hereditary cancer-predisposing syndrome. Last evaluated: 2018-03-19. Review status: criteria provided, single submitter. Criteria: Ambry Variant Classification Scheme 2023. Collection method: clinical testing. Allele origin: germline.
Comment: The p.V1476L variant (also known as c.4426G>C), located in coding exon 15 of the APC gene, results from a G to C substitution at nucleotide position 4426. The valine at codon 1476 is replaced by leucine, an amino acid with highly similar properties. This amino acid position is highly conserved in available vertebrate species. In addition, in silico predictors for this gene do not accurately predict pathogenicity. Since supporting evidence is limited at this time, the clinical significance of this alteration remains unclear.

NM_000038.6(APC):c.4426G>C (p.Val1476Leu)

Gene: APC (APC regulator of Wnt signaling pathway; plus strand). Cytogenetic location: 5q22.2.
Variant type: single nucleotide variant.
Coding change: c.4426G>C on transcript NM_000038.6 (MANE Select); coding-DNA position 4426, G replaced by C.
Protein change: p.Val1476Leu; replaces valine 1476 with leucine.
Molecular consequence: missense variant.
Genome position (GRCh38, 1-based): chr5:112,840,020, G>C. VCF-style: chr5-112840020-G-C. GRCh37 (hg19) VCF-style: chr5-112175717-G-C.
Other names: c.4426G>C, p.Val1476Leu (NM_001127510.3, NM_001354895.2); c.4372G>C, p.Val1458Leu (NM_001127511.3); c.4480G>C, p.Val1494Leu (NM_001354896.2); c.4456G>C, p.Val1486Leu (NM_001354897.2); c.4351G>C, p.Val1451Leu (NM_001354898.2); c.4342G>C, p.Val1448Leu (NM_001354899.2); c.4303G>C, p.Val1435Leu (NM_001354900.2); c.4249G>C, p.Val1417Leu (NM_001354901.2); and 5 more; short protein forms V1193L, V1350L, V1417L, V1435L, V1451L, V1458L, V1476L, V1494L.
Identifiers: ClinVar variation 824883 (VCV000824883.12), dbSNP rs1580647983, ClinGen allele CA16031020.